The following is an entry in ClinVar:

ClinVar aggregate classification (germline): Uncertain significance (1 of 4 stars; one submission).

Conditions:
Familial cold autoinflammatory syndrome 3 (FCAS3). Also called: ANTIBODY DEFICIENCY AND IMMUNE DYSREGULATION, PLCG2-ASSOCIATED; FAMILIAL ATYPICAL COLD URTICARIA. Identifiers: Orphanet 300359, MedGen C3280914, MONDO:0013766, OMIM 614468.

gnomAD v4.1: 8 of 1,596,774 alleles (0.0005%); highest among the groups gnomAD compares: Non-Finnish European, 0.00069%; no homozygotes.

Submission:

Labcorp Genetics (formerly Invitae), Labcorp
Classification: Uncertain significance for Familial cold autoinflammatory syndrome 3. Last evaluated: 2024-01-04. Review status: criteria provided, single submitter. Criteria: Invitae Variant Classification Sherloc (09022015). Collection method: clinical testing. Allele origin: germline.
Comment: This sequence change replaces aspartic acid, which is acidic and polar, with valine, which is neutral and non-polar, at codon 154 of the PLCG2 protein (p.Asp154Val). This variant is not present in population databases (gnomAD no frequency). This variant has not been reported in the literature in individuals affected with PLCG2-related conditions. ClinVar contains an entry for this variant (Variation ID: 969438). An algorithm developed to predict the effect of missense changes on protein structure and function (PolyPhen-2) suggests that this variant is likely to be disruptive. In summary, the available evidence is currently insufficient to determine the role of this variant in disease. Therefore, it has been classified as a Variant of Uncertain Significance.

NM_002661.5(PLCG2):c.461A>T (p.Asp154Val)

Gene: PLCG2 (phospholipase C gamma 2; plus strand). Cytogenetic location: 16q23.3.
Variant type: single nucleotide variant.
Coding change: c.461A>T on transcript NM_002661.5 (MANE Select); coding-DNA position 461, A replaced by T.
Protein change: p.Asp154Val; replaces aspartic acid 154 with valine.
Molecular consequence: missense variant.
Genome position (GRCh38, 1-based): chr16:81,859,145, A>T. VCF-style: chr16-81859145-A-T. GRCh37 (hg19) VCF-style: chr16-81892750-A-T.
Other names: short protein forms D154V.
Identifiers: ClinVar variation 969438 (VCV000969438.9), dbSNP rs1906834252, ClinGen allele CA396901758.
Genomic context (GRCh38, chr16:81,859,145, plus strand): 5'-TCTCTTTCTTTTGTCTCATATTTCTTTCCAGTTGGCTGAGAAAGCAGATATATTCTGTGG[A>T]TCAAACCAGAAGAAACAGGTAAGAGTCATTCAGTTTTTTTCTGATCACTTTGGATTTCGA-3'
Protein context (NP_002652.2, residues 144-164): SWLRKQIYSV[Asp154Val]QTRRNSISLR